The following is an entry in ClinVar:

NM_003803.4(MYOM1):c.1481G>A (p.Ser494Asn)

Gene: MYOM1 (myomesin 1; minus strand). Cytogenetic location: 18p11.31.
Variant type: single nucleotide variant.
Coding change: c.1481G>A on transcript NM_003803.4 (MANE Select); coding-DNA position 1481, G replaced by A.
Protein change: p.Ser494Asn; replaces serine 494 with asparagine.
Molecular consequence: missense variant.
Genome position (GRCh38, 1-based): chr18:3,164,298, C>T on the plus strand (G>A on the coding strand, the complement: MYOM1 is on the minus strand). VCF-style: chr18-3164298-C-T. GRCh37 (hg19) VCF-style: chr18-3164296-C-T.
Other names: c.1481G>A, p.Ser494Asn (NM_019856.2); short protein forms S494N.
Identifiers: ClinVar variation 647554 (VCV000647554.11), dbSNP rs1598736306, ClinGen allele CA401714782.
Genomic context (GRCh38, chr18:3,164,298, plus strand): 5'-CTAAATATTGTTAGGTGTTTTGTTTTTTGCTAGGACTTACCTCGAACAAAGACATAAGCA[C>T]TATATTGTTCATAATATTCTCCCATCCGTACACGGATTGTATAGAGGCCTTCATCTTCTT-3'
Protein context (NP_003794.3, residues 484-504): VRMGEYYEQY[Ser494Asn]AYVFVRDADA

ClinVar aggregate classification (germline): Uncertain significance. Review status: criteria provided, multiple submitters, no conflicts (2 of 4 stars). 2 submissions from 2 submitters: Uncertain significance (2). Last evaluated 2026-07-09.

Conditions:
Hypertrophic cardiomyopathy. Also called: HYPERTROPHIC MYOCARDIOPATHY. Identifiers: Orphanet 217569, MedGen C0007194, MeSH D002312, MONDO:0005045, HP:0001639.

Allele frequency attached by ClinVar (database versions not stated): gnomAD 0.00001; TOPMed 0.00001.
gnomAD v4.1: 2 of 1,612,924 alleles (0.00012%); highest among the groups gnomAD compares: Non-Finnish European, 0.000085%; no homozygotes.

Submissions (2):

Ambry Genetics
Classification: Uncertain significance. Last evaluated: 2026-07-09. Review status: criteria provided, single submitter. Criteria: Ambry Variant Classification Scheme 2023. Collection method: clinical testing. Allele origin: germline.
Comment: The p.S494N variant (also known as c.1481G>A), located in coding exon 9 of the MYOM1 gene, results from a G to A substitution at nucleotide position 1481. The serine at codon 494 is replaced by asparagine, an amino acid with highly similar properties. This amino acid position is conserved. In addition, the in silico prediction for this alteration is inconclusive. Based on the available evidence, the clinical significance of this variant remains unclear.

Labcorp Genetics (formerly Invitae), Labcorp
Classification: Uncertain significance for Hypertrophic cardiomyopathy. Last evaluated: 2025-01-11. Review status: criteria provided, single submitter. Criteria: Invitae Variant Classification Sherloc (09022015). Collection method: clinical testing. Allele origin: germline.
Comment: This sequence change replaces serine, which is neutral and polar, with asparagine, which is neutral and polar, at codon 494 of the MYOM1 protein (p.Ser494Asn). This variant is not present in population databases (gnomAD no frequency). This variant has not been reported in the literature in individuals affected with MYOM1-related conditions. ClinVar contains an entry for this variant (Variation ID: 647554). Invitae Evidence Modeling of protein sequence and biophysical properties (such as structural, functional, and spatial information, amino acid conservation, physicochemical variation, residue mobility, and thermodynamic stability) has been performed for this missense variant. However, the output from this modeling did not meet the statistical confidence thresholds required to predict the impact of this variant on MYOM1 protein function. In summary, the available evidence is currently insufficient to determine the role of this variant in disease. Therefore, it has been classified as a Variant of Uncertain Significance.